The following is an entry in ClinVar:

ClinVar aggregate classification (germline): Uncertain significance. Review status: criteria provided, multiple submitters, no conflicts (2 of 4 stars). 2 submissions from 2 submitters: Uncertain significance (2). Last evaluated 2025-09-01.

Conditions:
Developmental and epileptic encephalopathy, 2 (DEE2). Also called: INFANTILE SPASM SYNDROME, X-LINKED 2; CDKL5 deficiency disorder. Identifiers: Orphanet 1934, Orphanet 3451, Orphanet 505652, MedGen C4750718, MONDO:0010396, OMIM 300672.

Submissions (2):

Laboratorio de Biologia Molecular/Medicina Genomica - IFF/Fiocruz, Instituto Fernandes Figueira, Fundacao Oswaldo Cruz
Classification: Uncertain significance for Developmental and epileptic encephalopathy, 2. Last evaluated: 2025-09-01. Review status: criteria provided, single submitter. Criteria: ACMG Guidelines, 2015. Collection method: clinical testing. Allele origin: de novo. Affected: yes. Observed: 1 variant allele.
Comment: Variant: c.268G>A (p.Gln90Lys) in exon 5 of the CDKL5 gene. Protein effect: Missense variant at a highly conserved residue. In silico tools: Predict a deleterious impact. Population database (gnomAD): Absent. Segregation/phase data: Internal segregation analysis supports a de novo occurrence. ACMG/AMP criteria applied: PM2_Supporting, PM6, PP3, PP4

3billion
Classification: Uncertain significance for Developmental and epileptic encephalopathy, 2. Last evaluated: 2024-11-09. Review status: criteria provided, single submitter. Criteria: ACMG Guidelines, 2015. Collection method: clinical testing. Allele origin: germline. Affected: yes.
Comment: The variant is not observed in the gnomAD v4.1.0 dataset. Predicted Consequence/Location: Missense variant In silico tool predictions suggest damaging effect of the variant on gene or gene product [REVEL: 0.70 (>=0.6, sensitivity 0.68 and specificity 0.92); 3Cnet: 0.99 (>=0.6, sensitivity 0.72 and precision 0.9)]. Therefore, this variant is classified as VUS according to the recommendation of ACMG/AMP guideline.

NM_001323289.2(CDKL5):c.268G>A (p.Glu90Lys)

Gene: CDKL5 (cyclin dependent kinase like 5; plus strand). Cytogenetic location: Xp22.13.
Variant type: single nucleotide variant.
Coding change: c.268G>A on transcript NM_001323289.2 (MANE Select); coding-DNA position 268, G replaced by A.
Protein change: p.Glu90Lys; replaces glutamic acid 90 with lysine.
Molecular consequence: missense variant.
Genome position (GRCh38, 1-based): chrX:18,575,476, G>A. VCF-style: chrX-18575476-G-A. GRCh37 (hg19) VCF-style: chrX-18593596-G-A.
Other names: c.268G>A, p.Glu90Lys (NM_001037343.2, NM_003159.3); short protein forms E90K.
Identifiers: ClinVar variation 4292101 (VCV004292101.2).